The following is an entry in ClinVar:

ClinVar aggregate classification (germline): Likely benign (1 of 4 stars; one submission).

gnomAD v4.1: 228 of 1,614,074 alleles (0.014%); highest among the groups gnomAD compares: Non-Finnish European, 0.016%; 1 homozygote.

Submission:

CeGaT Center for Human Genetics Tuebingen
Classification: Likely benign. Last evaluated: 2025-04-01. Review status: criteria provided, single submitter. Criteria: CeGaT Center For Human Genetics Tuebingen Variant Classification Criteria Version 2. Collection method: clinical testing. Allele origin: germline. Affected: yes. Observed: 2 variant alleles.
Comment: IFT70B: BP4, BP7

NM_152517.3(IFT70B):c.615T>C (p.Ala205=)

Gene: IFT70B (intraflagellar transport 70B; minus strand). Cytogenetic location: 2q31.2.
Variant type: single nucleotide variant.
Coding change: c.615T>C on transcript NM_152517.3 (MANE Select); coding-DNA position 615, T replaced by C.
Protein change: p.Ala205=; no amino-acid change (alanine 205 retained).
Molecular consequence: synonymous variant.
Genome position (GRCh38, 1-based): chr2:177,552,149, A>G on the plus strand (T>C on the coding strand, the complement: IFT70B is on the minus strand). VCF-style: chr2-177552149-A-G. GRCh37 (hg19) VCF-style: chr2-178416877-A-G.
Identifiers: ClinVar variation 3778057 (VCV003778057.7).
Genomic context (GRCh38, chr2:177,552,149, plus strand): 5'-TAGCTCAGGGTGCTGGCGGATGCCACGCTCAATAATCTCAGCGATATGCTTCAGTGCTGA[A>G]GCATACTGTCGGCTGCTGTAATAGGCCAAAGCCAGGTTGTAGGAAAGGTCAGGCTGGTAG-3'
Protein context (NP_689730.2, residues 195-215): ALAYYSSRQY[Ala205=]SALKHIAEII